The following is an entry in ClinVar:

ClinVar aggregate classification (germline): Conflicting classifications of pathogenicity. Review status: criteria provided, conflicting classifications (1 of 4 stars). 6 submissions from 6 submitters: Uncertain significance (5); Likely benign (1). Last evaluated 2026-01-20.

Conditions:
Hereditary cancer-predisposing syndrome. Also called: Hereditary neoplastic syndrome; Neoplastic Syndromes, Hereditary; Hereditary Cancer Syndrome; Tumor predisposition. Identifiers: Orphanet 140162, MedGen C0027672, MeSH D009386, MONDO:0015356.
Familial melanoma. Also called: Hereditary melanoma; Hereditary cutaneous melanoma. Identifiers: Orphanet 618, MedGen C1512419, MONDO:0018961.

Allele frequency attached by ClinVar (database versions not stated): gnomAD 0.00001 and 0.00002; TOPMed 0.00001; ExAC 0.00002; gnomAD exomes 0.00002.
gnomAD v4.1: 19 of 1,609,128 alleles (0.0012%); highest among the groups gnomAD compares: South Asian, 0.0055%; no homozygotes.

Submissions (6):

Labcorp Genetics (formerly Invitae), Labcorp
Classification: Uncertain significance for Familial melanoma. Last evaluated: 2026-01-20. Review status: criteria provided, single submitter. Criteria: Invitae Variant Classification Sherloc (09022015). Collection method: clinical testing. Allele origin: germline.
Comment: This sequence change replaces arginine, which is basic and polar, with glutamine, which is neutral and polar, at codon 210 of the CDK4 protein (p.Arg210Gln). This variant is present in population databases (rs373619077, gnomAD 0.006%). This variant has not been reported in the literature in individuals affected with CDK4-related conditions. ClinVar contains an entry for this variant (Variation ID: 463473). Invitae Evidence Modeling of protein sequence and biophysical properties (such as structural, functional, and spatial information, amino acid conservation, physicochemical variation, residue mobility, and thermodynamic stability) indicates that this missense variant is not expected to disrupt CDK4 protein function with a negative predictive value of 95%. In summary, the available evidence is currently insufficient to determine the role of this variant in disease. Therefore, it has been classified as a Variant of Uncertain Significance.

Ambry Genetics
Classification: Likely benign for Hereditary cancer-predisposing syndrome. Last evaluated: 2024-03-01. Review status: criteria provided, single submitter. Criteria: Ambry Variant Classification Scheme 2023. Collection method: clinical testing. Allele origin: germline.

Blueprint Genetics
Classification: Uncertain significance. Last evaluated: 2024-02-16. Review status: criteria provided, single submitter. Criteria: ACMG Guidelines, 2015. Collection method: clinical testing. Allele origin: germline.

Women's Health and Genetics/Laboratory Corporation of America, LabCorp
Classification: Uncertain significance. Last evaluated: 2022-09-08. Review status: criteria provided, single submitter. Criteria: LabCorp Variant Classification Summary - May 2015. Collection method: clinical testing. Allele origin: germline.
Comment: Variant summary: CDK4 c.629G>A (p.Arg210Gln) results in a conservative amino acid change located in the Protein kinase domain of the encoded protein sequence. Four of five in-silico tools predict a benign effect of the variant on protein function. The variant allele was found at a frequency of 1.6e-05 in 251490 control chromosomes. The available data on variant occurrences in the general population are insufficient to allow any conclusion about variant significance. To our knowledge, no occurrence of c.629G>A in individuals affected with Cutaneous Malignant Melanoma and no experimental evidence demonstrating its impact on protein function have been reported. Three clinical diagnostic laboratories have submitted clinical-significance assessments for this variant to ClinVar after 2014 without evidence for independent evaluation. All laboratories classified the variant as uncertain significance. Based on the evidence outlined above, the variant was classified as uncertain significance.

GeneDx
Classification: Uncertain significance. Last evaluated: 2022-09-02. Review status: criteria provided, single submitter. Criteria: GeneDx Variant Classification Process June 2021. Collection method: clinical testing. Allele origin: germline. Affected: yes.
Comment: Not observed at significant frequency in large population cohorts (gnomAD); In silico analysis supports that this missense variant has a deleterious effect on protein structure/function; Has not been previously published as a germline pathogenic or benign variant to our knowledge; This variant is associated with the following publications: (PMID: 24755471)

Institute for Clinical Genetics, University Hospital TU Dresden, University Hospital TU Dresden
Classification: Uncertain significance. Last evaluated: 2021-11-03. Review status: criteria provided, single submitter. Criteria: ACMG Guidelines, 2015. Collection method: clinical testing. Allele origin: germline.

NM_000075.4(CDK4):c.629G>A (p.Arg210Gln)

Gene: CDK4 (cyclin dependent kinase 4; minus strand). Cytogenetic location: 12q14.1.
Variant type: single nucleotide variant.
Coding change: c.629G>A on transcript NM_000075.4 (MANE Select); coding-DNA position 629, G replaced by A.
Protein change: p.Arg210Gln; replaces arginine 210 with glutamine.
Molecular consequence: missense variant.
Genome position (GRCh38, 1-based): chr12:57,750,659, C>T on the plus strand (G>A on the coding strand, the complement: CDK4 is on the minus strand). VCF-style: chr12-57750659-C-T. GRCh37 (hg19) VCF-style: chr12-58144442-C-T.
Other names: short protein forms R210Q.
Identifiers: ClinVar variation 463473 (VCV000463473.20), dbSNP rs373619077, ClinGen allele CA6657773.